The following is an entry in ClinVar:

ClinVar aggregate classification (germline): Uncertain significance (1 of 4 stars; one submission).

Submission:

Dasa
Classification: Uncertain significance. Last evaluated: 2025-01-14. Review status: criteria provided, single submitter. Criteria: DASA Assertion Criteria. Collection method: clinical testing. Allele origin: germline.
Comment: NM_001378452.1(ITPR1):c.5603T>G (p.Phe1868Cys) is a missense variant that results in the substitution of phenylalanine with cysteine. This variant is absent from population databases. Computational prediction algorithms are consistent with a deleterious effect. The currently available literature and clinical evidence are not sufficient to establish a definitive association between this variant and the reported condition. Therefore, this variant is classified as a variant of uncertain significance.

NM_001378452.1(ITPR1):c.5603T>G (p.Phe1868Cys)

Gene: ITPR1 (inositol 1,4,5-trisphosphate receptor type 1; plus strand). Cytogenetic location: 3p26.1.
Variant type: single nucleotide variant.
Coding change: c.5603T>G on transcript NM_001378452.1 (MANE Select); coding-DNA position 5603, T replaced by G.
Protein change: p.Phe1868Cys; replaces phenylalanine 1868 with cysteine.
Molecular consequence: missense variant.
Genome position (GRCh38, 1-based): chr3:4,766,588, T>G. VCF-style: chr3-4766588-T-G. GRCh37 (hg19) VCF-style: chr3-4808272-T-G.
Other names: c.5459T>G, p.Phe1820Cys (NM_001099952.4); c.5558T>G, p.Phe1853Cys (NM_001168272.2); c.5414T>G, p.Phe1805Cys (NM_002222.7); short protein forms F1805C, F1820C, F1853C, F1868C.
Identifiers: ClinVar variation 4885468 (VCV004885468.2).
Genomic context (GRCh38, chr3:4,766,588, plus strand): 5'-AGCACTCCTTTTTCTGTCGCTTGACAGAAGATAAGAAGTCAGAGAAATTCTTTAAGGTGT[T>G]TTATGACCGGATGAAGGTGGCCCAGCAAGAAATCAAAGCAACAGTGACAGTGAACACCAG-3'
Protein context (NP_001365381.1, residues 1858-1878): DKKSEKFFKV[Phe1868Cys]YDRMKVAQQE